The following is an entry in ClinVar:

ClinVar aggregate classification (germline): Uncertain significance (0 of 4 stars; one submission).

Conditions:
EP300-related disorder. Also called: EP300-related condition; EP300-related disorders.

Allele frequency attached by ClinVar (database versions not stated): TOPMed below 0.00001; gnomAD 0.00001.
gnomAD v4.1: 18 of 1,614,048 alleles (0.0011%); highest among the groups gnomAD compares: Non-Finnish European, 0.0014%; no homozygotes.

Submission:

PreventionGenetics, part of Exact Sciences
Classification: Uncertain significance for EP300-related condition. Last evaluated: 2023-11-22. Review status: no assertion criteria provided. Collection method: clinical testing. Allele origin: germline.
Comment: The EP300 c.3983C>G variant is predicted to result in the amino acid substitution p.Ala1328Gly. To our knowledge, this variant has not been reported in the literature. This variant is reported in 0.00088% of alleles in individuals of European (Non-Finnish) descent in gnomAD. At this time, the clinical significance of this variant is uncertain due to the absence of conclusive functional and genetic evidence.

NM_001429.4(EP300):c.3983C>G (p.Ala1328Gly)

Gene: EP300 (E1A binding protein p300; plus strand). Cytogenetic location: 22q13.2.
Variant type: single nucleotide variant.
Coding change: c.3983C>G on transcript NM_001429.4 (MANE Select); coding-DNA position 3983, C replaced by G.
Protein change: p.Ala1328Gly; replaces alanine 1328 with glycine.
Molecular consequence: missense variant.
Genome position (GRCh38, 1-based): chr22:41,168,557, C>G. VCF-style: chr22-41168557-C-G. GRCh37 (hg19) VCF-style: chr22-41564561-C-G.
Other names: c.3905C>G, p.Ala1302Gly (NM_001362843.2); short protein forms A1302G, A1328G.
Identifiers: ClinVar variation 2632209 (VCV002632209.3), dbSNP rs1223884893, ClinGen allele CA411699537.
Genomic context (GRCh38, chr22:41,168,557, plus strand): 5'-ACTTTCTGAGGCGACAGAATCACCCTGAGTCAGGAGAGGTCACTGTTAGAGTAGTTCATG[C>G]TTCTGACAAAACCGTGGAAGTAAAACCAGGCATGAAAGCAAGGTATCTAGTCATTTCACT-3'
Protein context (NP_001420.2, residues 1318-1338): SGEVTVRVVH[Ala1328Gly]SDKTVEVKPG